The following is an entry in ClinVar:

NM_006514.4(SCN10A):c.4048T>C (p.Phe1350Leu)

Gene: SCN10A (sodium voltage-gated channel alpha subunit 10; minus strand). Cytogenetic location: 3p22.2.
Variant type: single nucleotide variant.
Coding change: c.4048T>C on transcript NM_006514.4 (MANE Select); coding-DNA position 4048, T replaced by C.
Protein change: p.Phe1350Leu; replaces phenylalanine 1350 with leucine.
Molecular consequence: missense variant.
Genome position (GRCh38, 1-based): chr3:38,712,202, A>G on the plus strand (T>C on the coding strand, the complement: SCN10A is on the minus strand). VCF-style: chr3-38712202-A-G. GRCh37 (hg19) VCF-style: chr3-38753693-A-G.
Other names: c.4045T>C, p.Phe1349Leu (NM_001293306.2); c.3754T>C, p.Phe1252Leu (NM_001293307.2); short protein forms F1349L, F1252L, F1350L.
Identifiers: ClinVar variation 2177830 (VCV002177830.4), dbSNP rs762905000, ClinGen allele CA2320049.

ClinVar aggregate classification (germline): Uncertain significance (1 of 4 stars; one submission).

Conditions:
Brugada syndrome. Also called: Sudden unexpected nocturnal death syndrome; Sudden unexplained nocturnal death syndrome; Sudden Unexplained Death Syndrome; Sudden Unexplained Nocturnal Death Syndrome (SUNDS). Identifiers: Orphanet 130, MedGen C1142166, MONDO:0015263.

Allele frequency attached by ClinVar (database versions not stated): TOPMed below 0.00001; ExAC 0.00001; gnomAD 0.00001.
gnomAD v4.1: 4 of 1,614,106 alleles (0.00025%); highest among the groups gnomAD compares: South Asian, 0.0033%; no homozygotes.

Submission:

Labcorp Genetics (formerly Invitae), Labcorp
Classification: Uncertain significance for Brugada syndrome. Last evaluated: 2022-08-20. Review status: criteria provided, single submitter. Criteria: Invitae Variant Classification Sherloc (09022015). Collection method: clinical testing. Allele origin: germline.
Comment: In summary, the available evidence is currently insufficient to determine the role of this variant in disease. Therefore, it has been classified as a Variant of Uncertain Significance. Advanced modeling of protein sequence and biophysical properties (such as structural, functional, and spatial information, amino acid conservation, physicochemical variation, residue mobility, and thermodynamic stability) performed at Invitae indicates that this missense variant is expected to disrupt SCN10A protein function. This variant has not been reported in the literature in individuals affected with SCN10A-related conditions. This variant is present in population databases (rs762905000, gnomAD 0.003%). This sequence change replaces phenylalanine, which is neutral and non-polar, with leucine, which is neutral and non-polar, at codon 1350 of the SCN10A protein (p.Phe1350Leu).